The following is an entry in ClinVar:

NM_000138.5(FBN1):c.5671+1G>T

Gene: FBN1 (fibrillin 1; minus strand). Cytogenetic location: 15q21.1.
Variant type: single nucleotide variant.
Coding change: c.5671+1G>T on transcript NM_000138.5 (MANE Select); the canonical splice donor site of the intron after coding-DNA position 5671, G replaced by T.
Molecular consequence: splice donor variant.
Genome position (GRCh38, 1-based): chr15:48,448,767, C>A on the plus strand (G>T on the coding strand, the complement: FBN1 is on the minus strand). VCF-style: chr15-48448767-C-A. GRCh37 (hg19) VCF-style: chr15-48740964-C-A.
Other names: c.5671+1G>T (NM_001406716.1).
Identifiers: ClinVar variation 648091 (VCV000648091.9), dbSNP rs112104270, ClinGen allele CA392341627.

ClinVar aggregate classification (germline): Pathogenic (1 of 4 stars; one submission).

Conditions:
Familial thoracic aortic aneurysm and aortic dissection (TAAD). Also called: Thoracic aortic aneurysms and dissections. Identifiers: Orphanet 91387, MedGen C4707243, MONDO:0019625.
Marfan syndrome (MFS). Also called: FBN1-Related Marfan Syndrome; Marfan syndrome type 1; Marfan's syndrome; Marfan syndrome, classic; MARFAN SYNDROME, TYPE I. Identifiers: Orphanet 284963, Orphanet 558, MedGen C0024796, MONDO:0007947, OMIM 154700.

Submission:

Labcorp Genetics (formerly Invitae), Labcorp
Classification: Pathogenic for Marfan syndrome; Familial thoracic aortic aneurysm and aortic dissection. Last evaluated: 2018-08-12. Review status: criteria provided, single submitter. Criteria: Invitae Variant Classification Sherloc (09022015). Collection method: clinical testing. Allele origin: germline.
Comment: This sequence change affects a donor splice site in intron 46 of the FBN1 gene. It is expected to disrupt RNA splicing and likely results in an absent or disrupted protein product. This variant is not present in population databases (ExAC no frequency). Disruption of this splice site has been observed in several individuals affected with Marfan syndrome (PMID: 27906200, Invitae). Algorithms developed to predict the effect of sequence changes on RNA splicing suggest that this variant may disrupt the consensus splice site, but this prediction has not been confirmed by published transcriptional studies. Donor and acceptor splice site variants typically lead to a loss of protein function (PMID: 16199547), and loss-of-function variants in FBN1 are known to be pathogenic (PMID: 17657824, 19293843). For these reasons, this variant has been classified as Pathogenic.

Literature cited by the submitters: PubMed 27906200; PubMed 16199547; PubMed 17657824; PubMed 19293843.